The following is an entry in ClinVar:

NM_152564.5(VPS13B):c.10011C>G (p.Ile3337Met)

Gene: VPS13B (vacuolar protein sorting 13 homolog B; plus strand). Cytogenetic location: 8q22.2.
Variant type: single nucleotide variant.
Coding change: c.10011C>G on transcript NM_152564.5 (MANE Select); coding-DNA position 10011, C replaced by G.
Protein change: p.Ile3337Met; replaces isoleucine 3337 with methionine.
Molecular consequence: missense variant.
Genome position (GRCh38, 1-based): chr8:99,848,844, C>G. VCF-style: chr8-99848844-C-G. GRCh37 (hg19) VCF-style: chr8-100861072-C-G.
Other names: c.10086C>G, p.Ile3362Met (NM_017890.5); c.10086C>G (NM_017890.3); short protein forms I3362M, I3337M.
Identifiers: ClinVar variation 361087 (VCV000361087.12), dbSNP rs542986432, ClinGen allele CA4824855.

ClinVar aggregate classification (germline): Conflicting classifications of pathogenicity. Review status: criteria provided, conflicting classifications (1 of 4 stars). 4 submissions from 4 submitters: Uncertain significance (2); Likely benign (2). Last evaluated 2025-11-06.

Conditions:
Inborn genetic diseases. Identifiers: MedGen C0950123, MeSH D030342.
Cohen syndrome (COH1). Also called: PEPPER SYNDROME; Cutis verticis gyrata, retinitis pigmentosa, and sensorineural deafness. Identifiers: Orphanet 193, MedGen C0265223, MONDO:0008999, OMIM 216550.

Allele frequency attached by ClinVar (database versions not stated): gnomAD exomes 0.00013 and 0.00005; ExAC 0.00018; 1000 Genomes Project 0.00140; 1000 Genomes Project 30x 0.00156; gnomAD below 0.00001 and 0.00009; TOPMed 0.00002.
gnomAD v4.1: 89 of 1,614,142 alleles (0.0055%); highest among the groups gnomAD compares: South Asian, 0.092%; 2 homozygotes.

Submissions (4):

Labcorp Genetics (formerly Invitae), Labcorp
Classification: Likely benign for Cohen syndrome. Last evaluated: 2025-11-06. Review status: criteria provided, single submitter. Criteria: Invitae Variant Classification Sherloc (09022015). Collection method: clinical testing. Allele origin: germline.

Ambry Genetics
Classification: Uncertain significance for Inborn genetic diseases. Last evaluated: 2025-08-14. Review status: criteria provided, single submitter. Criteria: Ambry Variant Classification Scheme 2023. Collection method: clinical testing. Allele origin: germline.

Blueprint Genetics
Classification: Likely benign. Last evaluated: 2023-12-14. Review status: criteria provided, single submitter. Criteria: ACMG Guidelines, 2015. Collection method: clinical testing. Allele origin: germline.

Illumina Laboratory Services, Illumina
Classification: Uncertain significance for Cohen syndrome. Last evaluated: 2018-01-12. Review status: criteria provided, single submitter. Criteria: ICSL Variant Classification Criteria 13 December 2019. Collection method: clinical testing. Allele origin: germline.